The following is an entry in ClinVar:

NM_000082.4(ERCC8):c.50del (p.Arg17fs)

Gene: ERCC8 (ERCC excision repair 8, CSA ubiquitin ligase complex subunit; minus strand). Cytogenetic location: 5q12.1.
Variant type: Deletion.
Coding change: c.50del on transcript NM_000082.4 (MANE Select); coding-DNA position 50, one base deleted (G; older notation c.50delG).
Protein change: p.Arg17fs; shifts the reading frame from arginine 17.
Molecular consequence: frameshift variant. On other transcripts: 5 prime UTR variant (2).
Genome position (GRCh38, 1-based): chr5:60,944,959, C deleted on the plus strand (G on the coding strand, the reverse complement: ERCC8 is on the minus strand). VCF-style (leftmost placement, unchanged base first): chr5-60944958-GC-G. GRCh37 (hg19) VCF-style: chr5-60240785-GC-G.
Other names: c.-343del (NM_001007233.3); c.50del, p.Arg17fs (NM_001007234.3); c.-328del (NM_001290285.2); short protein forms R17fs.
Identifiers: ClinVar variation 5006912 (VCV005006912.2).

ClinVar aggregate classification (germline): Likely pathogenic (1 of 4 stars; one submission).

Conditions:
Cockayne syndrome type 1. Also called: Cockayne syndrome type I; Cockayne syndrome classical; Cockayne syndrome classic form. Identifiers: Orphanet 191, Orphanet 90321, MedGen C0751039, MONDO:0019569, OMIM 216400.
UV-sensitive syndrome 2 (UVSS2). Identifiers: Orphanet 178338, MedGen C3553298, MONDO:0013829, OMIM 614621.

Submission:

Juno Genomics, Hangzhou Juno Genomics, Inc
Classification: Likely pathogenic for UV-sensitive syndrome 2; Cockayne syndrome type 1. Review status: criteria provided, single submitter. Criteria: ACMG Guidelines, 2015. Collection method: clinical testing. Allele origin: germline.
Comment: Null variant in a gene where loss of function (LOF) is a known mechanism of disease.;Absent from controls (or at extremely low frequency if recessive) in Genome Aggregation Database.